The following is an entry in ClinVar:

NM_173086.5(KRT6C):c.198C>A (p.Gly66=)

Gene: KRT6C (keratin 6C; minus strand). Cytogenetic location: 12q13.13.
Variant type: single nucleotide variant.
Coding change: c.198C>A on transcript NM_173086.5 (MANE Select); coding-DNA position 198, C replaced by A.
Protein change: p.Gly66=; no amino-acid change (glycine 66 retained).
Molecular consequence: synonymous variant.
Genome position (GRCh38, 1-based): chr12:52,473,540, G>T on the plus strand (C>A on the coding strand, the complement: KRT6C is on the minus strand). VCF-style: chr12-52473540-G-T. GRCh37 (hg19) VCF-style: chr12-52867324-G-T.
Other names: c.198C>A (NM_173086.4).
Identifiers: ClinVar variation 1300100 (VCV001300100.5), dbSNP rs419374, ClinGen allele CA6581625.

ClinVar aggregate classification (germline): Benign. Review status: criteria provided, multiple submitters, no conflicts (2 of 4 stars). 3 submissions from 3 submitters: Benign (2). 1 of the submissions does not count toward it. Last evaluated 2021-08-19.

Conditions:
KRT6C-related disorder. Also called: KRT6C-related condition.
Palmoplantar keratoderma, nonepidermolytic, focal or diffuse (PPKNEFD). Also called: PALMOPLANTAR KERATODERMA, FOCAL OR DIFFUSE. Identifiers: Orphanet 402003, MedGen C3810394, MONDO:0014327, OMIM 615735.

Allele frequency attached by ClinVar (database versions not stated): 1000 Genomes Project 0.25719; gnomAD exomes 0.29920; ExAC 0.33965.

Submissions (3):

Genome-Nilou Lab
Classification: Benign for Palmoplantar keratoderma, nonepidermolytic, focal or diffuse. Last evaluated: 2021-08-19. Review status: criteria provided, single submitter. Criteria: ACMG Guidelines, 2015. Collection method: clinical testing. Allele origin: germline. Affected: no.

Breakthrough Genomics
Classification: Benign. Review status: criteria provided, single submitter. Criteria: ACMG Guidelines, 2015. Collection method: not provided. Allele origin: germline. Inheritance: Autosomal dominant inheritance. Affected: yes.

PreventionGenetics, part of Exact Sciences
Classification: Benign for KRT6C-related condition. Last evaluated: 2024-01-03. Review status: no assertion criteria provided. Collection method: clinical testing. Allele origin: germline. Not counted in ClinVar's aggregate classification.
Comment: This variant is classified as benign based on ACMG/AMP sequence variant interpretation guidelines (Richards et al. 2015 PMID: 25741868, with internal and published modifications).